The following is an entry in ClinVar:

ClinVar aggregate classification (germline): Uncertain significance. Review status: criteria provided, single submitter (1 of 4 stars). 2 submissions from 2 submitters: Uncertain significance (1). 1 of the submissions does not count toward it. Last evaluated 2025-03-22.

Conditions:
KSR2-related disorder. Also called: KSR2-related condition.

gnomAD v4.1: 21 of 1,613,132 alleles (0.0013%); highest among the groups gnomAD compares: African/African-American, 0.0053%; no homozygotes.

Submissions (2):

Ambry Genetics
Classification: Uncertain significance. Last evaluated: 2025-03-22. Review status: criteria provided, single submitter. Criteria: Ambry Variant Classification Scheme 2023. Collection method: clinical testing. Allele origin: germline.

PreventionGenetics, part of Exact Sciences
Classification: Uncertain significance for KSR2-related condition. Last evaluated: 2024-06-24. Review status: no assertion criteria provided. Collection method: clinical testing. Allele origin: germline. Not counted in ClinVar's aggregate classification.
Comment: The KSR2 c.986C>T variant is predicted to result in the amino acid substitution p.Pro329Leu. To our knowledge, this variant has not been reported in the literature. This variant is reported in 0.0047% of alleles in individuals of European (Non-Finnish) descent in gnomAD. At this time, the clinical significance of this variant is uncertain due to the absence of conclusive functional and genetic evidence.

NM_173598.6(KSR2):c.1073C>T (p.Pro358Leu)

Gene: KSR2 (kinase suppressor of ras 2; minus strand). Cytogenetic location: 12q24.22.
Variant type: single nucleotide variant.
Coding change: c.1073C>T on transcript NM_173598.6 (MANE Select); coding-DNA position 1073, C replaced by T.
Protein change: p.Pro358Leu; replaces proline 358 with leucine.
Molecular consequence: missense variant.
Genome position (GRCh38, 1-based): chr12:117,667,572, G>A on the plus strand (C>T on the coding strand, the complement: KSR2 is on the minus strand). VCF-style: chr12-117667572-G-A. GRCh37 (hg19) VCF-style: chr12-118105377-G-A.
Other names: short protein forms P358L.
Identifiers: ClinVar variation 3351866 (VCV003351866.2).